The following is an entry in ClinVar:

ClinVar aggregate classification (germline): Likely pathogenic (1 of 4 stars; one submission).

Submission:

Labcorp Genetics (formerly Invitae), Labcorp
Classification: Likely pathogenic. Last evaluated: 2023-07-08. Review status: criteria provided, single submitter. Criteria: Invitae Variant Classification Sherloc (09022015). Collection method: clinical testing. Allele origin: germline.
Comment: This sequence change affects a donor splice site in intron 30 of the STAG1 gene. It is expected to disrupt RNA splicing. Variants that disrupt the donor or acceptor splice site typically lead to a loss of protein function (PMID: 16199547), and loss-of-function variants in STAG1 are known to be pathogenic (PMID: 28119487). This variant is not present in population databases (gnomAD no frequency). This variant has not been reported in the literature in individuals affected with STAG1-related conditions. Algorithms developed to predict the effect of sequence changes on RNA splicing suggest that this variant may disrupt the consensus splice site. In summary, the currently available evidence indicates that the variant is pathogenic, but additional data are needed to prove that conclusively. Therefore, this variant has been classified as Likely Pathogenic.

Literature cited by the submitters: PubMed 16199547; PubMed 28119487.

NM_005862.3(STAG1):c.3446+1G>A

Gene: STAG1 (STAG1 cohesin complex component; minus strand). Cytogenetic location: 3q22.3.
Variant type: single nucleotide variant.
Coding change: c.3446+1G>A on transcript NM_005862.3 (MANE Select); the canonical splice donor site of the intron after coding-DNA position 3446, G replaced by A.
Molecular consequence: splice donor variant.
Genome position (GRCh38, 1-based): chr3:136,343,831, C>T on the plus strand (G>A on the coding strand, the complement: STAG1 is on the minus strand). VCF-style: chr3-136343831-C-T. GRCh37 (hg19) VCF-style: chr3-136062673-C-T.
Identifiers: ClinVar variation 2737970 (VCV002737970.3), dbSNP rs2530031168, ClinGen allele CA354652438.
Genomic context (GRCh38, chr3:136,343,831, plus strand): 5'-CTTAAATAGTTTTACTTTCTTTAAAGGCTTTTTGTGAAAAAGACAAATTTTTGCTACTTA[C>T]TTGTGTAAAAAGTCTGGTTCAGAACCATGTTCAGACTCAGGTTCTTGAATCTGGTCTCCC-3'